The following is an entry in ClinVar:

ClinVar aggregate classification (germline): Uncertain significance. Review status: criteria provided, multiple submitters, no conflicts (2 of 4 stars). 3 submissions from 3 submitters: Uncertain significance (3). Last evaluated 2024-09-11.

Conditions:
Immunodeficiency 78 with autoimmunity and developmental delay. Also called: TPP2 deficiency. Identifiers: MedGen C5543159, MONDO:0030971, OMIM 619220.
Inborn genetic diseases. Identifiers: MedGen C0950123, MeSH D030342.
Evans syndrome, immunodeficiency, and premature immunosenescence associated with tripeptidyl-peptidase II deficiency. Identifiers: MedGen CN231723. Disease mechanism: loss of function.

Allele frequency attached by ClinVar (database versions not stated): ExAC 0.00002; gnomAD exomes 0.00002 and 0.00007; TOPMed 0.00002; gnomAD 0.00004; ESP Exome Variant Server 0.00008.
gnomAD v4.1: 105 of 1,613,198 alleles (0.0065%); highest among the groups gnomAD compares: Non-Finnish European, 0.0084%; no homozygotes.

Submissions (3):

Ambry Genetics
Classification: Uncertain significance for Inborn genetic diseases. Last evaluated: 2024-09-11. Review status: criteria provided, single submitter. Criteria: Ambry Variant Classification Scheme 2023. Collection method: clinical testing. Allele origin: germline.

Labcorp Genetics (formerly Invitae), Labcorp
Classification: Uncertain significance for Evans syndrome, immunodeficiency, and premature immunosenescence associated with tripeptidyl-peptidase II deficiency. Last evaluated: 2023-07-07. Review status: criteria provided, single submitter. Criteria: Invitae Variant Classification Sherloc (09022015). Collection method: clinical testing. Allele origin: germline.
Comment: In summary, the available evidence is currently insufficient to determine the role of this variant in disease. Therefore, it has been classified as a Variant of Uncertain Significance. An algorithm developed to predict the effect of missense changes on protein structure and function (PolyPhen-2) suggests that this variant is likely to be disruptive. ClinVar contains an entry for this variant (Variation ID: 640880). This variant has not been reported in the literature in individuals affected with TPP2-related conditions. This variant is present in population databases (rs148250766, gnomAD 0.005%). This sequence change replaces isoleucine, which is neutral and non-polar, with asparagine, which is neutral and polar, at codon 746 of the TPP2 protein (p.Ile746Asn).

Center for Genomics, Ann and Robert H. Lurie Children's Hospital of Chicago
Classification: Uncertain significance for Immunodeficiency 78 with autoimmunity and developmental delay. Last evaluated: 2022-10-28. Review status: criteria provided, single submitter. Criteria: ACMG Guidelines, 2015. Collection method: clinical testing. Allele origin: germline.
Comment: This variant has not been reported in the literature but is present in the Genome Aggregation Database (Highest reported MAF 0.007% (3/41478). This variant is present in ClinVar (Variation ID:640880). Evolutionary conservation and computational predictive tools for this variant are unclear. In summary, data on this variant is insufficient for disease classification. Therefore, the clinical significance of this variant is uncertain.

NM_001330588.2(TPP2):c.2237T>A (p.Ile746Asn)

Gene: TPP2 (tripeptidyl peptidase 2; plus strand). Cytogenetic location: 13q33.1.
Variant type: single nucleotide variant.
Coding change: c.2237T>A on transcript NM_001330588.2 (MANE Select); coding-DNA position 2237, T replaced by A.
Protein change: p.Ile746Asn; replaces isoleucine 746 with asparagine.
Molecular consequence: missense variant. On other transcripts: non-coding transcript variant (1).
Genome position (GRCh38, 1-based): chr13:102,644,618, T>A. VCF-style: chr13-102644618-T-A. GRCh37 (hg19) VCF-style: chr13-103296968-T-A.
Other names: c.2237T>A, p.Ile746Asn (LRG_1341t1, NM_001367947.1, NM_003291.4); short protein forms I746N.
Identifiers: ClinVar variation 640880 (VCV000640880.10), dbSNP rs148250766, ClinGen allele CA7037957.